The following is an entry in ClinVar:

NM_004100.5(EYA4):c.*1484C>T

Genes: TARID (TCF21 antisense RNA inducing promoter demethylation; minus strand), EYA4 (EYA transcriptional coactivator and phosphatase 4; plus strand). Cytogenetic location: 6q23.2.
Variant type: single nucleotide variant.
Coding change: c.*1484C>T on transcript NM_004100.5 (MANE Select); 1484 bases downstream of the stop codon, C replaced by T.
Molecular consequence: 3 prime UTR variant.
Genome position (GRCh38, 1-based): chr6:133,530,289, C>T. VCF-style: chr6-133530289-C-T. GRCh37 (hg19) VCF-style: chr6-133851427-C-T.
Other names: c.*1484C>T (NM_001301012.2, NM_001301013.2, NM_001370458.1 and 3 more transcripts).
Identifiers: ClinVar variation 906089 (VCV000906089.5), dbSNP rs116238383, ClinGen allele CA148051149.

ClinVar aggregate classification (germline): Benign/Likely benign. Review status: criteria provided, multiple submitters, no conflicts (2 of 4 stars). 3 submissions from 2 submitters: Benign (1); Likely benign (2). Last evaluated 2021-09-07.

Conditions:
Dilated cardiomyopathy 1J (CMD1J). Also called: CARDIOMYOPATHY, DILATED, WITH SENSORINEURAL HEARING LOSS, AUTOSOMAL DOMINANT. Identifiers: Orphanet 217622, MedGen C1854368, MONDO:0011541, OMIM 605362.
Autosomal dominant nonsyndromic hearing loss 10. Identifiers: Orphanet 90635, MedGen C1832476, MONDO:0011031, OMIM 601316.

Allele frequency attached by ClinVar (database versions not stated): gnomAD exomes 0.00067; 1000 Genomes Project 30x 0.00406; 1000 Genomes Project 0.00459; gnomAD 0.00658 and 0.00723; TOPMed 0.00762.
gnomAD v4.1: 1,587 of 985,392 alleles (0.16%); highest among the groups gnomAD compares: African/African-American, 2.5%; 23 homozygotes.

Submissions (3):

GeneDx
Classification: Likely benign. Last evaluated: 2021-09-07. Review status: criteria provided, single submitter. Criteria: GeneDx Variant Classification Process June 2021. Collection method: clinical testing. Allele origin: germline. Affected: yes.

Illumina Laboratory Services, Illumina
Classification: Benign for Autosomal dominant nonsyndromic hearing loss 10. Last evaluated: 2018-01-12. Review status: criteria provided, single submitter. Criteria: ICSL Variant Classification Criteria 13 December 2019. Collection method: clinical testing. Allele origin: germline.
Comment: This variant was observed in the ICSL laboratory as part of a predisposition screen in an ostensibly healthy population. It had not been previously curated by ICSL or reported in the Human Gene Mutation Database (HGMD: prior to June 1st, 2018), and was therefore a candidate for classification through an automated scoring system. Utilizing variant allele frequency, disease prevalence and penetrance estimates, and inheritance mode, an automated score was calculated to assess if this variant is too frequent to cause the disease. Based on the score and internal cut-off values, a variant classified as benign is not then subjected to further curation. The score for this variant resulted in a classification of benign for this disease.

Illumina Laboratory Services, Illumina
Classification: Likely benign for Dilated cardiomyopathy 1J. Last evaluated: 2018-01-12. Review status: criteria provided, single submitter. Criteria: ICSL Variant Classification Criteria 13 December 2019. Collection method: clinical testing. Allele origin: germline.
Comment: This variant was observed in the ICSL laboratory as part of a predisposition screen in an ostensibly healthy population. It had not been previously curated by ICSL or reported in the Human Gene Mutation Database (HGMD: prior to June 1st, 2018), and was therefore a candidate for classification through an automated scoring system. Utilizing variant allele frequency, disease prevalence and penetrance estimates, and inheritance mode, an automated score was calculated to assess if this variant is too frequent to cause the disease. Based on the score and internal cut-off values, a variant classified as likely benign is not then subjected to further curation. The score for this variant resulted in a classification of likely benign for this disease.